The following is an entry in ClinVar:

ClinVar aggregate classification (germline): Uncertain significance (1 of 4 stars; one submission).

Allele frequency attached by ClinVar (database versions not stated): gnomAD 0.00001; TOPMed 0.00002.
gnomAD v4.1: 2 of 1,613,482 alleles (0.00012%); highest among the groups gnomAD compares: African/African-American, 0.0027%; no homozygotes.

Submission:

Labcorp Genetics (formerly Invitae), Labcorp
Classification: Uncertain significance. Last evaluated: 2023-05-08. Review status: criteria provided, single submitter. Criteria: Invitae Variant Classification Sherloc (09022015). Collection method: clinical testing. Allele origin: germline.
Comment: This sequence change replaces serine, which is neutral and polar, with phenylalanine, which is neutral and non-polar, at codon 154 of the SCP2 protein (p.Ser154Phe). This variant is present in population databases (no rsID available, gnomAD 0.01%). This variant has not been reported in the literature in individuals affected with SCP2-related conditions. ClinVar contains an entry for this variant (Variation ID: 1992173). Algorithms developed to predict the effect of missense changes on protein structure and function output the following: SIFT: "Not Available"; PolyPhen-2: "Benign"; Align-GVGD: "Not Available". The phenylalanine amino acid residue is found in multiple mammalian species, which suggests that this missense change does not adversely affect protein function. In summary, the available evidence is currently insufficient to determine the role of this variant in disease. Therefore, it has been classified as a Variant of Uncertain Significance.

NM_002979.5(SCP2):c.461C>T (p.Ser154Phe)

Gene: SCP2 (sterol carrier protein 2; plus strand). Cytogenetic location: 1p32.3.
Variant type: single nucleotide variant.
Coding change: c.461C>T on transcript NM_002979.5 (MANE Select); coding-DNA position 461, C replaced by T.
Protein change: p.Ser154Phe; replaces serine 154 with phenylalanine.
Molecular consequence: missense variant.
Genome position (GRCh38, 1-based): chr1:52,961,567, C>T. VCF-style: chr1-52961567-C-T. GRCh37 (hg19) VCF-style: chr1-53427239-C-T.
Other names: c.329C>T, p.Ser110Phe (NM_001007098.3, NM_001193600.2); c.389C>T, p.Ser130Phe (NM_001193599.2); c.218C>T, p.Ser73Phe (NM_001193617.2); c.461C>T, p.Ser154Phe (NM_001330587.2); short protein forms S130F, S154F, S73F, S110F.
Identifiers: ClinVar variation 1992173 (VCV001992173.4), dbSNP rs1231783642, ClinGen allele CA340377756.